The following is an entry in ClinVar:

ClinVar aggregate classification (germline): Uncertain significance. Review status: criteria provided, multiple submitters, no conflicts (2 of 4 stars). 2 submissions from 2 submitters: Uncertain significance (2). Last evaluated 2025-07-01.

Allele frequency attached by ClinVar (database versions not stated): TOPMed below 0.00001.
gnomAD v4.1: 2 of 1,613,746 alleles (0.00012%); highest among the groups gnomAD compares: Non-Finnish European, 0.00017%; no homozygotes.

Submissions (2):

Labcorp Genetics (formerly Invitae), Labcorp
Classification: Uncertain significance. Last evaluated: 2025-07-01. Review status: criteria provided, single submitter. Criteria: Invitae Variant Classification Sherloc (09022015). Collection method: clinical testing. Allele origin: germline.
Comment: This sequence change replaces glutamic acid, which is acidic and polar, with aspartic acid, which is acidic and polar, at codon 945 of the AP3D1 protein (p.Glu945Asp). This variant is present in population databases (rs751708491, gnomAD 0.002%). This variant has not been reported in the literature in individuals affected with AP3D1-related conditions. ClinVar contains an entry for this variant (Variation ID: 2190748). An algorithm developed to predict the effect of missense changes on protein structure and function outputs the following: PolyPhen-2: "Benign". The aspartic acid amino acid residue is found in multiple mammalian species, which suggests that this missense change does not adversely affect protein function. In summary, the available evidence is currently insufficient to determine the role of this variant in disease. Therefore, it has been classified as a Variant of Uncertain Significance.

Mayo Clinic Laboratories, Mayo Clinic
Classification: Uncertain significance. Last evaluated: 2024-11-14. Review status: criteria provided, single submitter. Criteria: ACMG Guidelines, 2015. Collection method: clinical testing. Allele origin: germline. Observed: 1 variant allele.
Comment: BP4, PM2_supporting

NM_001261826.3(AP3D1):c.2835G>C (p.Glu945Asp)

Gene: AP3D1 (adaptor related protein complex 3 subunit delta 1; minus strand). Cytogenetic location: 19p13.3.
Variant type: single nucleotide variant.
Coding change: c.2835G>C on transcript NM_001261826.3 (MANE Select); coding-DNA position 2835, G replaced by C.
Protein change: p.Glu945Asp; replaces glutamic acid 945 with aspartic acid.
Molecular consequence: missense variant.
Genome position (GRCh38, 1-based): chr19:2,111,781, C>G on the plus strand (G>C on the coding strand, the complement: AP3D1 is on the minus strand). VCF-style: chr19-2111781-C-G. GRCh37 (hg19) VCF-style: chr19-2111780-C-G.
Other names: p.Glu945Asp; c.2799G>C, p.Glu933Asp (NM_001374799.1); c.2649G>C, p.Glu883Asp (NM_003938.8); short protein forms E883D, E945D, E933D.
Identifiers: ClinVar variation 2190748 (VCV002190748.5), dbSNP rs751708491, ClinGen allele CA9058699.